The following is an entry in ClinVar:

NM_001244008.2(KIF1A):c.693C>A (p.Asp231Glu)

Gene: KIF1A (kinesin family member 1A; minus strand). Cytogenetic location: 2q37.3.
Variant type: single nucleotide variant.
Coding change: c.693C>A on transcript NM_001244008.2 (MANE Select); coding-DNA position 693, C replaced by A.
Protein change: p.Asp231Glu; replaces aspartic acid 231 with glutamic acid.
Molecular consequence: missense variant.
Genome position (GRCh38, 1-based): chr2:240,785,016, G>T on the plus strand (C>A on the coding strand, the complement: KIF1A is on the minus strand). VCF-style: chr2-240785016-G-T. GRCh37 (hg19) VCF-style: chr2-241724433-G-T.
Other names: c.693C>A, p.Asp231Glu (NM_001320705.2, NM_001330289.2, NM_001330290.2 and 21 more transcripts); short protein forms D231E.
Identifiers: ClinVar variation 1722009 (VCV001722009.6), dbSNP rs772411022, ClinGen allele CA351304543.

ClinVar aggregate classification (germline): Uncertain significance (1 of 4 stars; one submission).

Conditions:
Hereditary spastic paraplegia 30. Identifiers: Orphanet 101010, MedGen C5235139, MONDO:0012476.
Neuropathy, hereditary sensory, type 2C. Also called: Hereditary sensory and autonomic neuropathy type IIC; KIF1A-Related HSAN2 (HSAN2C). Identifiers: Orphanet 970, MedGen C3280168, MONDO:0013634, OMIM 614213.
Intellectual disability, autosomal dominant 9 (NESCAVS). Also called: NESCAV SYNDROME; KIF1A-Related Neurodevelopmental Disorder. Identifiers: Orphanet 662367, MedGen C5393830, MONDO:0013656, OMIM 614255.

Submission:

Labcorp Genetics (formerly Invitae), Labcorp
Classification: Uncertain significance for Hereditary spastic paraplegia 30; Neuropathy, hereditary sensory, type 2C; Intellectual disability, autosomal dominant 9. Last evaluated: 2022-10-21. Review status: criteria provided, single submitter. Criteria: Invitae Variant Classification Sherloc (09022015). Collection method: clinical testing. Allele origin: germline.
Comment: Advanced modeling of protein sequence and biophysical properties (such as structural, functional, and spatial information, amino acid conservation, physicochemical variation, residue mobility, and thermodynamic stability) performed at Invitae indicates that this missense variant is expected to disrupt KIF1A protein function. In summary, the available evidence is currently insufficient to determine the role of this variant in disease. Therefore, it has been classified as a Variant of Uncertain Significance. This variant has not been reported in the literature in individuals affected with KIF1A-related conditions. This variant is not present in population databases (gnomAD no frequency). This sequence change replaces aspartic acid, which is acidic and polar, with glutamic acid, which is acidic and polar, at codon 231 of the KIF1A protein (p.Asp231Glu).